The following is an entry in ClinVar:

NM_001040108.2(MLH3):c.1142G>T (p.Arg381Leu)

Gene: MLH3 (mutL homolog 3; minus strand). Cytogenetic location: 14q24.3.
Variant type: single nucleotide variant.
Coding change: c.1142G>T on transcript NM_001040108.2 (MANE Select); coding-DNA position 1142, G replaced by T.
Protein change: p.Arg381Leu; replaces arginine 381 with leucine.
Molecular consequence: missense variant.
Genome position (GRCh38, 1-based): chr14:75,048,514, C>A on the plus strand (G>T on the coding strand, the complement: MLH3 is on the minus strand). VCF-style: chr14-75048514-C-A. GRCh37 (hg19) VCF-style: chr14-75515217-C-A.
Other names: c.1142G>T, p.Arg381Leu (NM_014381.3); short protein forms R381L.
Identifiers: ClinVar variation 3232427 (VCV003232427.3), dbSNP rs751375245, ClinGen allele CA390447305.
Genomic context (GRCh38, chr14:75,048,514, plus strand): 5'-TAGGAATCTAAAATATTATTACATGCTTCCTGGAAATTGCTCCTCTCATCGGAAGTCACA[C>A]GCTTCTGAAGAGTAGCATCAAATAAACTAAAACCATTATCTTCACTAAATTCCTTAATAT-3'
Protein context (NP_001035197.1, residues 371-391): FSLFDATLQK[Arg381Leu]VTSDERSNFQ

ClinVar aggregate classification (germline): Uncertain significance. Review status: criteria provided, multiple submitters, no conflicts (2 of 4 stars). 2 submissions from 2 submitters: Uncertain significance (2). Last evaluated 2024-05-06.

Conditions:
Colorectal cancer, hereditary nonpolyposis, type 7. Identifiers: Orphanet 144, MedGen C1858380, MONDO:0013725, OMIM 614385.

gnomAD v4.1: 1 of 1,613,122 alleles (0.000062%); highest among the groups gnomAD compares: African/African-American, 0.0013%; no homozygotes.

Submissions (2):

Labcorp Genetics (formerly Invitae), Labcorp
Classification: Uncertain significance for Colorectal cancer, hereditary nonpolyposis, type 7. Last evaluated: 2024-05-06. Review status: criteria provided, single submitter. Criteria: Invitae Variant Classification Sherloc (09022015). Collection method: clinical testing. Allele origin: germline.
Comment: This sequence change replaces arginine, which is basic and polar, with leucine, which is neutral and non-polar, at codon 381 of the MLH3 protein (p.Arg381Leu). This variant is not present in population databases (gnomAD no frequency). This variant has not been reported in the literature in individuals affected with MLH3-related conditions. An algorithm developed to predict the effect of missense changes on protein structure and function (PolyPhen-2) suggests that this variant is likely to be tolerated. In summary, the available evidence is currently insufficient to determine the role of this variant in disease. Therefore, it has been classified as a Variant of Uncertain Significance.

Ambry Genetics
Classification: Uncertain significance. Last evaluated: 2024-02-24. Review status: criteria provided, single submitter. Criteria: Ambry Variant Classification Scheme 2023. Collection method: clinical testing. Allele origin: germline.
Comment: The p.R381L variant (also known as c.1142G>T), located in coding exon 1 of the MLH3 gene, results from a G to T substitution at nucleotide position 1142. The arginine at codon 381 is replaced by leucine, an amino acid with dissimilar properties. This amino acid position is conserved. In addition, this alteration is predicted to be tolerated by in silico analysis. Based on the available evidence, the clinical significance of this alteration remains unclear.